The following is an entry in ClinVar:

ClinVar aggregate classification (germline): Uncertain significance (1 of 4 stars; one submission).

Submission:

Labcorp Genetics (formerly Invitae), Labcorp
Classification: Uncertain significance. Last evaluated: 2023-03-30. Review status: criteria provided, single submitter. Criteria: Invitae Variant Classification Sherloc (09022015). Collection method: clinical testing. Allele origin: germline.
Comment: Algorithms developed to predict the effect of sequence changes on RNA splicing suggest that this variant may disrupt the consensus splice site. This variant has not been reported in the literature in individuals affected with NIN-related conditions. This variant is not present in population databases (gnomAD no frequency). This sequence change falls in intron 16 of the NIN gene. It does not directly change the encoded amino acid sequence of the NIN protein. In summary, the available evidence is currently insufficient to determine the role of this variant in disease. Therefore, it has been classified as a Variant of Uncertain Significance.

NM_020921.4(NIN):c.1897-14C>G

Gene: NIN (ninein; minus strand). Cytogenetic location: 14q22.1.
Variant type: single nucleotide variant.
Coding change: c.1897-14C>G on transcript NM_020921.4 (MANE Select); 14 bases into the intron before coding-DNA position 1897, C replaced by G.
Molecular consequence: intron variant.
Genome position (GRCh38, 1-based): chr14:50,760,373, G>C on the plus strand (C>G on the coding strand, the complement: NIN is on the minus strand). VCF-style: chr14-50760373-G-C. GRCh37 (hg19) VCF-style: chr14-51227091-G-C.
Other names: c.1897-14C>G (NM_016350.5, NM_182946.2, NM_182944.3).
Identifiers: ClinVar variation 2850716 (VCV002850716.3), dbSNP rs2505893788, ClinGen allele CA2575524430.